The following is an entry in ClinVar:

ClinVar aggregate classification (germline): Benign (0 of 4 stars; one submission).

Conditions:
DNAH17-related disorder. Also called: DNAH17-related condition.

Allele frequency attached by ClinVar (database versions not stated): ExAC 0.00194; 1000 Genomes Project 0.00399; 1000 Genomes Project 30x 0.00406; gnomAD 0.00455; TOPMed 0.00492; ESP Exome Variant Server 0.00495.
gnomAD v4.1: 1,764 of 1,604,160 alleles (0.11%); highest among the groups gnomAD compares: African/African-American, 1.6%; 8 homozygotes.

Submission:

PreventionGenetics, part of Exact Sciences
Classification: Benign for DNAH17-related condition. Last evaluated: 2019-06-11. Review status: no assertion criteria provided. Collection method: clinical testing. Allele origin: germline.
Comment: This variant is classified as benign based on ACMG/AMP sequence variant interpretation guidelines (Richards et al. 2015 PMID: 25741868, with internal and published modifications).

NM_173628.4(DNAH17):c.6729C>T (p.Phe2243=)

Genes: DNAH17 (dynein axonemal heavy chain 17; minus strand), DNAH17-AS1 (DNAH17 antisense RNA 1; plus strand). Cytogenetic location: 17q25.3.
Variant type: single nucleotide variant.
Coding change: c.6729C>T on transcript NM_173628.4 (MANE Select); coding-DNA position 6729, C replaced by T.
Protein change: p.Phe2243=; no amino-acid change (phenylalanine 2243 retained).
Molecular consequence: synonymous variant.
Genome position (GRCh38, 1-based): chr17:78,490,788, G>A on the plus strand (C>T on the coding strand, the complement: DNAH17 is on the minus strand). VCF-style: chr17-78490788-G-A. GRCh37 (hg19) VCF-style: chr17-76486870-G-A.
Identifiers: ClinVar variation 3034383 (VCV003034383.2), dbSNP rs184693454, ClinGen allele CA8802621.
Genomic context (GRCh38, chr17:78,490,788, plus strand): 5'-GTAGAGGATGCCGGCTCTGGAAACGGTGGCTGGGGTGGCCGTCCTCAGGTGGCTGATTTC[G>A]AACACCAGCCTCATGGTGCGGTTCAGGGGGATCCGCTCGTTGCTGGCCAGGGTGAGGACC-3'
Protein context (NP_775899.3, residues 2233-2253): IPLNRTMRLV[Phe2243=]EISHLRTATP